The following is an entry in ClinVar:

ClinVar aggregate classification (germline): Uncertain significance (1 of 4 stars; one submission).

Conditions:
Charcot-Marie-Tooth disease type 4. Also called: Charcot-Marie-Tooth disease, type IV; Charcot-Marie-Tooth, Type 4. Identifiers: Orphanet 64749, MedGen C4082197, MONDO:0018995.

Submission:

Labcorp Genetics (formerly Invitae), Labcorp
Classification: Uncertain significance for Charcot-Marie-Tooth disease type 4. Last evaluated: 2022-05-14. Review status: criteria provided, single submitter. Criteria: Invitae Variant Classification Sherloc (09022015). Collection method: clinical testing. Allele origin: germline.
Comment: Advanced modeling of protein sequence and biophysical properties (such as structural, functional, and spatial information, amino acid conservation, physicochemical variation, residue mobility, and thermodynamic stability) performed at Invitae indicates that this missense variant is not expected to disrupt SH3TC2 protein function. In summary, the available evidence is currently insufficient to determine the role of this variant in disease. Therefore, it has been classified as a Variant of Uncertain Significance. This variant has not been reported in the literature in individuals affected with SH3TC2-related conditions. This variant is present in population databases (no rsID available, gnomAD 0.004%). This sequence change replaces proline, which is neutral and non-polar, with alanine, which is neutral and non-polar, at codon 22 of the SH3TC2 protein (p.Pro22Ala).

NM_024577.4(SH3TC2):c.64C>G (p.Pro22Ala)

Gene: SH3TC2 (SH3 domain and tetratricopeptide repeats 2; minus strand). Cytogenetic location: 5q32.
Variant type: single nucleotide variant.
Coding change: c.64C>G on transcript NM_024577.4 (MANE Select); coding-DNA position 64, C replaced by G.
Protein change: p.Pro22Ala; replaces proline 22 with alanine.
Molecular consequence: missense variant.
Genome position (GRCh38, 1-based): chr5:149,052,229, G>C on the plus strand (C>G on the coding strand, the complement: SH3TC2 is on the minus strand). VCF-style: chr5-149052229-G-C. GRCh37 (hg19) VCF-style: chr5-148431792-G-C.
Other names: short protein forms P22A.
Identifiers: ClinVar variation 1994284 (VCV001994284.4), dbSNP rs1212470173, ClinGen allele CA361681833.
Genomic context (GRCh38, chr5:149,052,229, plus strand): 5'-ATTTTTCCTTGTATTCAGATGAGGCTATACACTCACTCGATACAGTTGGATCCTTGGAAG[G>C]AGTTTCTTTACCTGGAGAAGATGAAATAAAAGGTCATCTTAAGAGTGTAAGGAAGTTGAA-3'
Protein context (NP_078853.2, residues 12-32): SLTRGPGKET[Pro22Ala]SKDPTVSSEC